The following is an entry in ClinVar:

ClinVar aggregate classification (germline): Conflicting classifications of pathogenicity. Review status: criteria provided, conflicting classifications (1 of 4 stars). 12 submissions from 12 submitters: Uncertain significance (9); Likely benign (1). 2 of the submissions do not count toward it. Last evaluated 2026-01-21.

Conditions:
Fanconi anemia (FA). Also called: Fanconi's anemia. Identifiers: Orphanet 84, MedGen C0015625, MeSH D005199, MONDO:0019391.
Fanconi anemia complementation group A (FANCA). Also called: FANCA-Related Fanconi Anemia; Fanconi anemia, group A. Identifiers: Orphanet 84, MedGen C3469521, MONDO:0009215, OMIM 227650.
FANCA-related disorder. Also called: FANCA-related condition.

Allele frequency attached by ClinVar (database versions not stated): ESP Exome Variant Server 0.00008; gnomAD 0.00019; 1000 Genomes Project 0.00020; TOPMed 0.00020; 1000 Genomes Project 30x 0.00047.
gnomAD v4.1: 493 of 1,609,978 alleles (0.031%); highest among the groups gnomAD compares: South Asian, 0.04%; no homozygotes.

Submissions (12):

Labcorp Genetics (formerly Invitae), Labcorp
Classification: Likely benign for Fanconi anemia. Last evaluated: 2026-01-21. Review status: criteria provided, single submitter. Criteria: Invitae Variant Classification Sherloc (09022015). Collection method: clinical testing. Allele origin: germline.

Myriad Genetics, Inc.
Classification: Uncertain significance for Fanconi anemia complementation group A. Last evaluated: 2025-10-20. Review status: criteria provided, single submitter. Criteria: Myriad Autosomal Dominant, Autosomal Recessive and X-Linked Classification Criteria (2023). Collection method: clinical testing. Allele origin: unknown.
Comment: NM_000135.2(FANCA):c.3551G>C(R1184P) is a missense variant classified as a variant of uncertain significance in the context of Fanconi anemia complementation group A. R1184P has been observed in a case with relevant disease (PMID: 37474001). Relevant functional assessments of this variant are not available in the literature. R1184P has been observed in referenced population frequency databases. In summary, there is insufficient evidence to classify NM_000135.2(FANCA):c.3551G>C(R1184P) as pathogenic or benign. Please note: this variant was assessed in the context of healthy population screening.

Quest Diagnostics Nichols Institute San Juan Capistrano
Classification: Uncertain significance. Last evaluated: 2025-10-08. Review status: criteria provided, single submitter. Criteria: Quest Diagnostics criteria. Collection method: clinical testing. Allele origin: unknown.
Comment: The FANCA c.3551G>C (p.Arg1184Pro) variant has been reported in the published literature in individuals with breast cancer (PMID: 35884425 (2022)), ovarian cancer (PMID: 32546565 (2021)), head/neck squamous cell carcinoma (PMID: 28678401 (2017)), as well as in reportedly unaffected individuals (PMIDs: 32546565 (2021), 29641532 (2018)). The frequency of this variant in the general population (Genome Aggregation Database) is uninformative in the assessment of its pathogenicity. Analysis of this variant using bioinformatics tools for the prediction of the effect of amino acid changes on protein structure and function yielded predictions that this variant is benign. Based on the available information, we are unable to determine the clinical significance of this variant.

St. Jude Molecular Pathology, St. Jude Children's Research Hospital
Classification: Uncertain significance for Fanconi anemia complementation group A. Last evaluated: 2024-08-20. Review status: criteria provided, single submitter. Criteria: St. Jude Assertion Criteria 2020. Collection method: clinical testing. Allele origin: germline.
Comment: The FANCA c.3551G>C (p.Arg1184Pro) missense change has a maximum subpopulation frequency of 0.033% in gnomAD v2.1.1. The in silico tool REVEL predicts a deleterious effect on protein function, but to our knowledge this prediction has not been confirmed by functional studies. This variant has been reported in individuals with breast and ovarian cancer, but it has also been observed in healthy controls (PMID: 35884425, 37349538). A case-control study of 6,385 invasive epithelial ovarian cancer patients and 6,115 controls indicated that individuals with this variant had an increased risk of developing ovarian cancer with an odds ratio of 3.83 (PMID: 32546565). To our knowledge, this variant has not been reported in individuals with Fanconi anemia. In summary, the evidence currently available is insufficient to determine the clinical significance of this variant. It has therefore been classified as of uncertain significance.

Fulgent Genetics
Classification: Uncertain significance for Fanconi anemia complementation group A. Last evaluated: 2024-06-11. Review status: criteria provided, single submitter. Criteria: ACMG Guidelines, 2015. Collection method: clinical testing. Allele origin: germline.

Sema4
Classification: Uncertain significance for Fanconi anemia. Last evaluated: 2021-11-15. Review status: criteria provided, single submitter. Criteria: Sema4 Curation Guidelines. Collection method: curation. Allele origin: germline.
Comment: The FANCA c.3551G>C (p.R1184P) variant has been reported in heterozygosity in at least four individuals with ovarian cancer (PMID: 32546565). It was observed in 10/30462 chromosomes of the South Asian subpopulation, with no homozygotes, in the large and broad cohorts of the Genome Aggregation Database (PMID: 32461654). The variant has been reported in ClinVar (Variation ID 321335). Functional studies have not been performed, and in silico predictions of the variant's effect on protein function are inconclusive. The evidence is insufficient to meet ACMG/AMP criteria for classifying the variant as benign or pathogenic. Thus, the clinical significance of this variant is currently uncertain.

Institute for Clinical Genetics, University Hospital TU Dresden, University Hospital TU Dresden
Classification: Uncertain significance. Last evaluated: 2021-11-03. Review status: criteria provided, single submitter. Criteria: ACMG Guidelines, 2015. Collection method: clinical testing. Allele origin: germline.

GeneDx
Classification: Uncertain significance. Last evaluated: 2021-10-04. Review status: criteria provided, single submitter. Criteria: GeneDx Variant Classification Process June 2021. Collection method: clinical testing. Allele origin: germline. Affected: yes.
Comment: In silico analysis, which includes protein predictors and evolutionary conservation, supports a deleterious effect; Has not been previously published as pathogenic or benign to our knowledge

Mayo Clinic Laboratories, Mayo Clinic
Classification: Uncertain significance. Last evaluated: 2020-01-19. Review status: criteria provided, single submitter. Criteria: ACMG Guidelines, 2015. Collection method: clinical testing. Allele origin: germline. Observed: 1 variant allele.

Illumina Laboratory Services, Illumina
Classification: Uncertain significance for Fanconi anemia complementation group A. Last evaluated: 2018-01-13. Review status: criteria provided, single submitter. Criteria: ICSL Variant Classification Criteria 13 December 2019. Collection method: clinical testing. Allele origin: germline.

PreventionGenetics, part of Exact Sciences
Classification: Uncertain significance for FANCA-related condition. Last evaluated: 2024-02-17. Review status: no assertion criteria provided. Collection method: clinical testing. Allele origin: germline. Not counted in ClinVar's aggregate classification.
Comment: The FANCA c.3551G>C variant is predicted to result in the amino acid substitution p.Arg1184Pro. This variant has been reported in multiple individuals with ovarian cancer; however, it was also been documented in controls (Table S6 - Song et al. 2020. PubMed ID: 32546565). This variant is reported in 0.033% of alleles in individuals of South Asian descent in gnomAD and has conflicting interpretations in ClinVar including likely benign and uncertain. At this time, the clinical significance of this variant is uncertain due to the absence of conclusive functional and genetic evidence.

Natera, Inc.
Classification: Uncertain significance for Fanconi anemia, group A. Last evaluated: 2020-09-16. Review status: no assertion criteria provided. Collection method: clinical testing. Allele origin: germline. Not counted in ClinVar's aggregate classification.

Literature cited by the submitters: PubMed 37474001 (cited by Myriad Genetics, Inc.); PubMed 32546565 (cited by Quest Diagnostics Nichols Institute San Juan Capistrano and Sema4); PubMed 28678401 (cited by Quest Diagnostics Nichols Institute San Juan Capistrano); PubMed 32235514 (cited by Quest Diagnostics Nichols Institute San Juan Capistrano); PubMed 29641532 (cited by Quest Diagnostics Nichols Institute San Juan Capistrano); PubMed 35884425 (cited by Quest Diagnostics Nichols Institute San Juan Capistrano).

NM_000135.4(FANCA):c.3551G>C (p.Arg1184Pro)

Gene: FANCA (FA complementation group A; minus strand). Cytogenetic location: 16q24.3.
Variant type: single nucleotide variant.
Coding change: c.3551G>C on transcript NM_000135.4 (MANE Select); coding-DNA position 3551, G replaced by C.
Protein change: p.Arg1184Pro; replaces arginine 1184 with proline.
Molecular consequence: missense variant.
Genome position (GRCh38, 1-based): chr16:89,745,034, C>G on the plus strand (G>C on the coding strand, the complement: FANCA is on the minus strand). VCF-style: chr16-89745034-C-G. GRCh37 (hg19) VCF-style: chr16-89811442-C-G.
Other names: c.3551G>C (LRG_495t1, NM_000135.3); c.3551G>C, p.Arg1184Pro (NM_001286167.3); short protein forms R1184P.
Identifiers: ClinVar variation 321335 (VCV000321335.34), dbSNP rs147672303, ClinGen allele CA8251098.